The following is an entry in ClinVar:

ClinVar aggregate classification (germline): Uncertain significance (1 of 4 stars; one submission).

Submission:

CeGaT Center for Human Genetics Tuebingen
Classification: Uncertain significance. Last evaluated: 2025-02-01. Review status: criteria provided, single submitter. Criteria: CeGaT Center For Human Genetics Tuebingen Variant Classification Criteria Version 2. Collection method: clinical testing. Allele origin: germline. Affected: yes. Observed: 1 variant allele.
Comment: MUC5B: PM2

NM_002458.3(MUC5B):c.5661_5668del (p.Thr1888fs)

Genes: MUC5B (mucin 5B, oligomeric mucus/gel-forming; plus strand), MUC5B-AS1 (MUC5B antisense RNA 1; minus strand). Cytogenetic location: 11p15.5.
Variant type: Deletion.
Coding change: c.5661_5668del on transcript NM_002458.3 (MANE Select); coding-DNA positions 5661 to 5668, 8 bases deleted (TACCCCAG; older notation c.5661_5668delTACCCCAG).
Protein change: p.Thr1888fs; shifts the reading frame from threonine 1888.
Molecular consequence: frameshift variant. On other transcripts: non-coding transcript variant (1).
Genome position (GRCh38, 1-based): chr11:1,242,541-1,242,548, TACCCCAG deleted; deleting any 8 consecutive bases within chr11:1,242,535-1,242,548 gives the same sequence; the c. name uses the placement nearest the transcript's 3' end. VCF-style (leftmost placement, unchanged base first): chr11-1242534-GCCCCAGTA-G. GRCh37 (hg19) VCF-style: chr11-1263764-GCCCCAGTA-G.
Other names: short protein forms T1888fs.
Identifiers: ClinVar variation 3778401 (VCV003778401.7).